The following is an entry in ClinVar:

ClinVar aggregate classification (germline): Uncertain significance (1 of 4 stars; one submission).

Conditions:
Wolman disease (WOLD). Also called: Acid cholesteryl ester hydrolase deficiency, Wolman type; Acid lipase disease; Wolman disease, CESD; Wolman disease with hypolipoproteinemia and acanthocytosis; LYSOSOMAL ACID LIPASE DEFICIENCY, ACUTE INFANTILE; LYSOSOMAL ACID LIPASE DEFICIENCY, COMPLETE. Identifiers: Orphanet 75233, MedGen C0043208, MONDO:0019148, OMIM 620151.

Submission:

Labcorp Genetics (formerly Invitae), Labcorp
Classification: Uncertain significance for Wolman disease. Last evaluated: 2022-02-10. Review status: criteria provided, single submitter. Criteria: Invitae Variant Classification Sherloc (09022015). Collection method: clinical testing. Allele origin: germline.
Comment: A copy number gain of the genomic region encompassing the full coding sequence of the LIPA gene has been identified. The boundaries of this event are unknown as they extend beyond the assayed region for this gene and therefore may encompass additional genes. As the precise location of this event is unknown, it may be in tandem or it may be located elsewhere in the genome. This variant has not been reported in the literature in individuals affected with LIPA-related conditions. In summary, the available evidence is currently insufficient to determine the role of this variant in disease. Therefore, it has been classified as a Variant of Uncertain Significance.

NC_000010.10:g.(?_90974585)_(91222335_?)dup

Genes: IFIT1 (interferon induced protein with tetratricopeptide repeats 1; plus strand), IFIT1B (interferon induced protein with tetratricopeptide repeats 1B; plus strand), IFIT2 (interferon induced protein with tetratricopeptide repeats 2; plus strand), IFIT3 (interferon induced protein with tetratricopeptide repeats 3; plus strand), IFIT5 (interferon induced protein with tetratricopeptide repeats 5; plus strand) and 2 more. Cytogenetic location: 10q23.31.
Variant type: Duplication.
Identifiers: ClinVar variation 2422619 (VCV002422619.6).